The following is an entry in ClinVar:

ClinVar aggregate classification (germline): Likely pathogenic (1 of 4 stars; one submission).

Conditions:
Primary ciliary dyskinesia. Also called: Ciliary dyskinesia. Identifiers: Orphanet 244, MedGen C0008780, MONDO:0016575, HP:0012265.

Submission:

Dubai Health Genomic Medicine Center, Dubai Health
Classification: Likely pathogenic for Ciliary dyskinesia. Last evaluated: 2024-10-04. Review status: criteria provided, single submitter. Criteria: ACMG Guidelines, 2015. Collection method: research. Allele origin: germline. Affected: yes.
Comment: PVS1,PM2

NM_001010892.3(RSPH4A):c.1108G>T (p.Glu370Ter)

Gene: RSPH4A (radial spoke head component 4A; plus strand). Cytogenetic location: 6q22.1.
Variant type: single nucleotide variant.
Coding change: c.1108G>T on transcript NM_001010892.3 (MANE Select); coding-DNA position 1108, G replaced by T.
Protein change: p.Glu370Ter; replaces glutamic acid 370 with a stop codon.
Molecular consequence: nonsense.
Genome position (GRCh38, 1-based): chr6:116,627,815, G>T. VCF-style: chr6-116627815-G-T. GRCh37 (hg19) VCF-style: chr6-116948978-G-T.
Other names: c.1108G>T, p.Glu370Ter (NM_001161664.2); short protein forms E370*.
Identifiers: ClinVar variation 3384096 (VCV003384096.1).